The following is an entry in ClinVar:

ClinVar aggregate classification (germline): Likely benign (1 of 4 stars; one submission).

Allele frequency attached by ClinVar (database versions not stated): 1000 Genomes Project 30x 0.00219; 1000 Genomes Project 0.00240; TOPMed 0.00305; ESP Exome Variant Server 0.00454; gnomAD 0.00500; gnomAD exomes 0.00534; ExAC 0.00607.
gnomAD v4.1: 8,467 of 1,612,860 alleles (0.52%); highest among the groups gnomAD compares: Non-Finnish European, 0.57%; 32 homozygotes.

Submission:

CeGaT Center for Human Genetics Tuebingen
Classification: Likely benign. Last evaluated: 2023-03-01. Review status: criteria provided, single submitter. Criteria: CeGaT Center For Human Genetics Tuebingen Variant Classification Criteria Version 2. Collection method: clinical testing. Allele origin: germline. Affected: yes. Observed: 1 variant allele.
Comment: RGS12: BP4, BP7, BS2

NM_001394154.1(RGS12):c.2745C>T (p.His915=)

Gene: RGS12 (regulator of G protein signaling 12; plus strand). Cytogenetic location: 4p16.3.
Variant type: single nucleotide variant.
Coding change: c.2745C>T on transcript NM_001394154.1 (MANE Select); coding-DNA position 2745, C replaced by T.
Protein change: p.His915=; no amino-acid change (histidine 915 retained).
Molecular consequence: synonymous variant.
Genome position (GRCh38, 1-based): chr4:3,417,525, C>T. VCF-style: chr4-3417525-C-T. GRCh37 (hg19) VCF-style: chr4-3419252-C-T.
Other names: c.2745C>T, p.His915= (NM_001394155.1, NM_001394156.1, NM_001394157.1 and 3 more transcripts); c.342C>T, p.His114= (NM_001394161.1, NM_001394162.1, NM_001394163.1); c.801C>T, p.His267= (NM_198227.2).
Identifiers: ClinVar variation 2654601 (VCV002654601.24), dbSNP rs61748737, ClinGen allele CA2827101.